The following is an entry in ClinVar:

NM_032043.3(BRIP1):c.3530AAG[1] (p.Glu1178del)

Gene: BRIP1 (BRCA1 interacting DNA helicase 1; minus strand). Cytogenetic location: 17q23.2.
Variant type: Microsatellite.
Coding change: c.3530AAG[1] on transcript NM_032043.3 (MANE Select); one copy of the 3-base unit AAG starting at c.3530; the reference has two copies in a row; one copy, 3 bases deleted.
Protein change: p.Glu1178del; deletes glutamic acid 1178.
Molecular consequence: inframe deletion.
Genome position (GRCh38, 1-based): chr17:61,683,511-61,683,513, CTT deleted on the plus strand (AAG on the coding strand, the reverse complement: BRIP1 is on the minus strand); deleting any 3 consecutive bases within chr17:61,683,511-61,683,516 gives the same sequence; the position shown is the placement nearest the transcript's 3' end. VCF-style (leftmost placement, unchanged base first): chr17-61683510-ACTT-A. GRCh37 (hg19) VCF-style: chr17-59760871-ACTT-A.
Other names: c.3533_3535delAAG (NM_032043.2); short protein forms E1178del.
Identifiers: ClinVar variation 579403 (VCV000579403.12), dbSNP rs1567727749, ClinGen allele CA891843741.

ClinVar aggregate classification (germline): Uncertain significance. Review status: criteria provided, multiple submitters, no conflicts (2 of 4 stars). 3 submissions from 3 submitters: Uncertain significance (3). Last evaluated 2026-01-07.

Conditions:
Hereditary cancer-predisposing syndrome. Also called: Hereditary neoplastic syndrome; Tumor predisposition; Hereditary Cancer Syndrome; Neoplastic Syndromes, Hereditary. Identifiers: Orphanet 140162, MedGen C0027672, MeSH D009386, MONDO:0015356.
Fanconi anemia complementation group J. Also called: BRIP1-Related Fanconi Anemia. Identifiers: Orphanet 84, MedGen C1836860, MONDO:0012187, OMIM 609054.
Familial cancer of breast. Also called: hereditary breast carcinoma; BREAST CANCER, FAMILIAL; Hereditary breast cancer. Identifiers: Orphanet 227535, MedGen C0346153, MONDO:0016419, OMIM 114480. Disease mechanism: loss of function.

Submissions (3):

Labcorp Genetics (formerly Invitae), Labcorp
Classification: Uncertain significance for Familial cancer of breast; Fanconi anemia complementation group J. Last evaluated: 2026-01-07. Review status: criteria provided, single submitter. Criteria: Invitae Variant Classification Sherloc (09022015). Collection method: clinical testing. Allele origin: germline.
Comment: This variant, c.3533_3535del, results in the deletion of 1 amino acid(s) of the BRIP1 protein (p.Glu1178del), but otherwise preserves the integrity of the reading frame. This variant is not present in population databases (gnomAD no frequency). This variant has not been reported in the literature in individuals affected with BRIP1-related conditions. ClinVar contains an entry for this variant (Variation ID: 579403). Experimental studies and prediction algorithms are not available or were not evaluated, and the functional significance of this variant is currently unknown. In summary, the available evidence is currently insufficient to determine the role of this variant in disease. Therefore, it has been classified as a Variant of Uncertain Significance.

Ambry Genetics
Classification: Uncertain significance for Hereditary cancer-predisposing syndrome. Last evaluated: 2023-11-20. Review status: criteria provided, single submitter. Criteria: Ambry Variant Classification Scheme 2023. Collection method: clinical testing. Allele origin: germline.
Comment: The c.3533_3535delAAG variant (also known as p.E1178del) is located in coding exon 19 of the BRIP1 gene. This variant results from an in-frame AAG deletion at nucleotide positions 3533 to 3535. This results in the in-frame deletion of a glutamic acid at codon 1178. The deleted amino acid position is poorly conserved in available vertebrate species. In addition, this alteration is predicted to be neutral by in silico analysis (Choi Y et al. PLoS ONE. 2012; 7(10):e46688). Since supporting evidence is limited at this time, the clinical significance of this alteration remains unclear.

Color Diagnostics, LLC DBA Color Health
Classification: Uncertain significance for Hereditary cancer-predisposing syndrome. Last evaluated: 2018-11-20. Review status: criteria provided, single submitter. Criteria: ACMG Guidelines, 2015. Collection method: clinical testing. Allele origin: germline.